The following is an entry in ClinVar:

ClinVar aggregate classification (germline): Likely benign. Review status: criteria provided, multiple submitters, no conflicts (2 of 4 stars). 2 submissions from 2 submitters: Likely benign (2). Last evaluated 2022-09-03.

gnomAD v4.1: 8 of 1,613,604 alleles (0.0005%); highest among the groups gnomAD compares: Admixed American, 0.0083%; no homozygotes.

Submissions (2):

Labcorp Genetics (formerly Invitae), Labcorp
Classification: Likely benign. Last evaluated: 2022-09-03. Review status: criteria provided, single submitter. Criteria: Invitae Variant Classification Sherloc (09022015). Collection method: clinical testing. Allele origin: germline.

GeneDx
Classification: Likely benign. Last evaluated: 2018-04-09. Review status: criteria provided, single submitter. Criteria: GeneDx Variant Classification (06012015). Collection method: clinical testing. Allele origin: germline. Affected: yes.
Comment: This variant is considered likely benign or benign based on one or more of the following criteria: it is a conservative change, it occurs at a poorly conserved position in the protein, it is predicted to be benign by multiple in silico algorithms, and/or has population frequency not consistent with disease.

NM_001038603.3(MARVELD2):c.1491G>C (p.Ser497=)

Gene: MARVELD2 (MARVEL domain containing 2; plus strand). Cytogenetic location: 5q13.2.
Variant type: single nucleotide variant.
Coding change: c.1491G>C on transcript NM_001038603.3 (MANE Select); coding-DNA position 1491, G replaced by C.
Protein change: p.Ser497=; no amino-acid change (serine 497 retained).
Molecular consequence: synonymous variant.
Genome position (GRCh38, 1-based): chr5:69,433,081, G>C. VCF-style: chr5-69433081-G-C. GRCh37 (hg19) VCF-style: chr5-68728908-G-C.
Other names: c.1455G>C, p.Ser485= (NM_001244734.2).
Identifiers: ClinVar variation 681151 (VCV000681151.5), dbSNP rs149176039, ClinGen allele CA444794028.
Genomic context (GRCh38, chr5:69,433,081, plus strand): 5'-GGCTGTCCTGAGGAAGTTTGATGAGCTGGATGCAGTGATGAGCAGATTGCCACATCATTC[G>C]GAAAGCCGACAGGTTAGTATGTGCAGCTGCCTAGGAGGAGCACTGAAATCTAGAGGATGA-3'
Protein context (NP_001033692.2, residues 487-507): DAVMSRLPHH[Ser497=]ESRQEHERIS